The following is an entry in ClinVar:

NM_000016.6(ACADM):c.530A>G (p.Glu177Gly)

Gene: ACADM (acyl-CoA dehydrogenase medium chain; plus strand). Cytogenetic location: 1p31.1.
Variant type: single nucleotide variant.
Coding change: c.530A>G on transcript NM_000016.6 (MANE Select); coding-DNA position 530, A replaced by G.
Protein change: p.Glu177Gly; replaces glutamic acid 177 with glycine.
Molecular consequence: missense variant. On other transcripts: 5 prime UTR variant (1).
Genome position (GRCh38, 1-based): chr1:75,740,041, A>G. VCF-style: chr1-75740041-A-G. GRCh37 (hg19) VCF-style: chr1-76205726-A-G.
Other names: c.542A>G, p.Glu181Gly (NM_001127328.3); c.422A>G, p.Glu141Gly (NM_001286042.2); c.629A>G, p.Glu210Gly (NM_001286043.2); c.-38A>G (NM_001286044.2); short protein forms E141G, E181G, E177G, E210G.
Identifiers: ClinVar variation 2777938 (VCV002777938.4), dbSNP rs2525609038, ClinGen allele CA340815130.

ClinVar aggregate classification (germline): Likely pathogenic. Review status: criteria provided, single submitter (1 of 4 stars). 2 submissions from 2 submitters: Likely pathogenic (1). 1 of the submissions does not count toward it. Last evaluated 2023-11-27.

Conditions:
Medium-chain acyl-coenzyme A dehydrogenase deficiency (ACADMD). Also called: MCADH DEFICIENCY; Medium chain acyl-CoA dehydrogenase deficiency; MCAD Deficiency; CARNITINE DEFICIENCY SECONDARY TO MEDIUM-CHAIN ACYL-CoA DEHYDROGENASE DEFICIENCY; ACADM DEFICIENCY; MCADD. Identifiers: Orphanet 42, MedGen C0220710, MONDO:0008721, OMIM 201450.

Submissions (2):

Labcorp Genetics (formerly Invitae), Labcorp
Classification: Likely pathogenic for Medium-chain acyl-coenzyme A dehydrogenase deficiency. Last evaluated: 2023-11-27. Review status: criteria provided, single submitter. Criteria: Invitae Variant Classification Sherloc (09022015). Collection method: clinical testing. Allele origin: germline.
Comment: This sequence change replaces glutamic acid, which is acidic and polar, with glycine, which is neutral and non-polar, at codon 177 of the ACADM protein (p.Glu177Gly). This variant is not present in population databases (gnomAD no frequency). This missense change has been observed in individual(s) with features of medium-chain acyl-coenzyme A dehydrogenase deficiency (Invitae). Advanced modeling of protein sequence and biophysical properties (such as structural, functional, and spatial information, amino acid conservation, physicochemical variation, residue mobility, and thermodynamic stability) has been performed at Invitae for this missense variant, however the output from this modeling did not meet the statistical confidence thresholds required to predict the impact of this variant on ACADM protein function. In summary, the currently available evidence indicates that the variant is pathogenic, but additional data are needed to prove that conclusively. Therefore, this variant has been classified as Likely Pathogenic.

Natera, Inc.
Classification: Uncertain significance for Medium Chain Acyl-CoA Dehydrogenase Deficiency. Last evaluated: 2025-03-11. Review status: no assertion criteria provided. Collection method: clinical testing. Allele origin: germline. Not counted in ClinVar's aggregate classification.